The following is an entry in ClinVar:

ClinVar aggregate classification (germline): Uncertain significance (1 of 4 stars; one submission).

Conditions:
Inborn genetic diseases. Identifiers: MedGen C0950123, MeSH D030342.

Submission:

Ambry Genetics
Classification: Uncertain significance for Inborn genetic diseases. Last evaluated: 2025-05-07. Review status: criteria provided, single submitter. Criteria: Ambry Variant Classification Scheme 2023. Collection method: clinical testing. Allele origin: germline.
Comment: The p.L217P variant (also known as c.650T>C), located in coding exon 5 of the ANKRD26 gene, results from a T to C substitution at nucleotide position 650. The leucine at codon 217 is replaced by proline, an amino acid with similar properties. This amino acid position is conserved. In addition, the in silico prediction for this alteration is inconclusive. Based on the available evidence, the clinical significance of this variant remains unclear.

NM_014915.3(ANKRD26):c.650T>C (p.Leu217Pro)

Gene: ANKRD26 (ankyrin repeat domain containing 26; minus strand). Cytogenetic location: 10p12.1.
Variant type: single nucleotide variant.
Coding change: c.650T>C on transcript NM_014915.3 (MANE Select); coding-DNA position 650, T replaced by C.
Protein change: p.Leu217Pro; replaces leucine 217 with proline.
Molecular consequence: missense variant.
Genome position (GRCh38, 1-based): chr10:27,086,598, A>G on the plus strand (T>C on the coding strand, the complement: ANKRD26 is on the minus strand). VCF-style: chr10-27086598-A-G. GRCh37 (hg19) VCF-style: chr10-27375527-A-G.
Other names: c.650T>C, p.Leu217Pro (NM_001256053.2); short protein forms L217P.
Identifiers: ClinVar variation 3914284 (VCV003914284.1).